The following is an entry in ClinVar:

ClinVar aggregate classification (germline): Uncertain significance (1 of 4 stars; one submission).

gnomAD v4.1: 1 of 1,614,124 alleles (0.000062%); highest among the groups gnomAD compares: East Asian, 0.0022%; no homozygotes.

Submission:

Labcorp Genetics (formerly Invitae), Labcorp
Classification: Uncertain significance. Last evaluated: 2025-01-29. Review status: criteria provided, single submitter. Criteria: Invitae Variant Classification Sherloc (09022015). Collection method: clinical testing. Allele origin: germline.
Comment: This sequence change replaces lysine, which is basic and polar, with glutamic acid, which is acidic and polar, at codon 1082 of the ALPK3 protein (p.Lys1082Glu). This variant is not present in population databases (gnomAD no frequency). This variant has not been reported in the literature in individuals affected with ALPK3-related conditions. Invitae Evidence Modeling of protein sequence and biophysical properties (such as structural, functional, and spatial information, amino acid conservation, physicochemical variation, residue mobility, and thermodynamic stability) indicates that this missense variant is not expected to disrupt ALPK3 protein function with a negative predictive value of 80%. In summary, the available evidence is currently insufficient to determine the role of this variant in disease. Therefore, it has been classified as a Variant of Uncertain Significance.

NM_020778.5(ALPK3):c.2638A>G (p.Lys880Glu)

Gene: ALPK3 (alpha kinase 3; plus strand). Cytogenetic location: 15q25.3.
Variant type: single nucleotide variant.
Coding change: c.2638A>G on transcript NM_020778.5 (MANE Select); coding-DNA position 2638, A replaced by G.
Protein change: p.Lys880Glu; replaces lysine 880 with glutamic acid.
Molecular consequence: missense variant.
Genome position (GRCh38, 1-based): chr15:84,857,376, A>G. VCF-style: chr15-84857376-A-G. GRCh37 (hg19) VCF-style: chr15-85400607-A-G.
Other names: short protein forms K880E.
Identifiers: ClinVar variation 3684383 (VCV003684383.2).